The following is an entry in ClinVar:

NM_152906.7(TANGO2):c.631G>C (p.Asp211His)

Gene: TANGO2 (transport and golgi organization 2 homolog; plus strand). Cytogenetic location: 22q11.21.
Variant type: single nucleotide variant.
Coding change: c.631G>C on transcript NM_152906.7 (MANE Select); coding-DNA position 631, G replaced by C.
Protein change: p.Asp211His; replaces aspartic acid 211 with histidine.
Molecular consequence: missense variant. On other transcripts: non-coding transcript variant (5), intron variant (1).
Genome position (GRCh38, 1-based): chr22:20,063,363, G>C. VCF-style: chr22-20063363-G-C. GRCh37 (hg19) VCF-style: chr22-20050886-G-C.
Other names: c.631G>C, p.Asp211His (NM_001283106.3, NM_001283116.3, NM_001322142.2); c.754G>C, p.Asp252His (NM_001283129.3, NM_001322141.2, NM_001322143.2); c.629G>C, p.Gly210Ala (NM_001283148.3, NM_001283154.3); c.445G>C, p.Asp149His (NM_001283179.3, NM_001283186.3, NM_001322163.2 and 2 more transcripts); c.406G>C, p.Asp136His (NM_001283199.3); c.337G>C, p.Asp113His (NM_001283235.3, NM_001322150.2, NM_001322153.2 and 6 more transcripts); c.291G>C, p.Arg97Ser (NM_001283248.3); c.752G>C, p.Gly251Ala (NM_001322144.2); and 6 more; short protein forms D113H, D136H, D149H, D177H, D190H, D211H, D252H, G148A.
Identifiers: ClinVar variation 1139971 (VCV001139971.12), dbSNP rs76585103, ClinGen allele CA10106517.
Genomic context (GRCh38, chr22:20,063,363, plus strand): 5'-GGGACTAATGGCCACCACTTCTCTCCATCCTGCAGGCAGCTGCCAGACCCGGCCATCGAG[G>C]ACCAGGGTGGGGAGTACGTGCAGCCCATGCTGAGCAAGTACGCGGCTGTGTGCGTGCGCT-3'
Protein context (NP_690870.3, residues 201-221): EAQLPDPAIE[Asp211His]QGGEYVQPML

ClinVar aggregate classification (germline): Conflicting classifications of pathogenicity. Review status: criteria provided, conflicting classifications (1 of 4 stars). 3 submissions from 3 submitters: Uncertain significance (1); Likely benign (1). 1 of the submissions does not count toward it. Last evaluated 2026-01-13.

Conditions:
TANGO2-related disorder. Also called: TANGO2-related condition.

Allele frequency attached by ClinVar (database versions not stated): gnomAD exomes 0.00004 and 0.00013; ExAC 0.00018; ESP Exome Variant Server 0.00062; TOPMed 0.00062; gnomAD 0.00068 and 0.00070; 1000 Genomes Project 0.00100; 1000 Genomes Project 30x 0.00109.
gnomAD v4.1: 171 of 1,613,524 alleles (0.011%); highest among the groups gnomAD compares: African/African-American, 0.21%; 1 homozygote.

Submissions (3):

Labcorp Genetics (formerly Invitae), Labcorp
Classification: Likely benign. Last evaluated: 2026-01-13. Review status: criteria provided, single submitter. Criteria: Invitae Variant Classification Sherloc (09022015). Collection method: clinical testing. Allele origin: germline.

Blueprint Genetics
Classification: Uncertain significance. Last evaluated: 2022-07-26. Review status: criteria provided, single submitter. Criteria: ACMG Guidelines, 2015. Collection method: clinical testing. Allele origin: germline.

PreventionGenetics, part of Exact Sciences
Classification: Likely benign for TANGO2-related condition. Last evaluated: 2023-02-14. Review status: no assertion criteria provided. Collection method: clinical testing. Allele origin: germline. Not counted in ClinVar's aggregate classification.
Comment: This variant is classified as likely benign based on ACMG/AMP sequence variant interpretation guidelines (Richards et al. 2015 PMID: 25741868, with internal and published modifications).